The following is an entry in ClinVar:

NM_016222.4(DDX41):c.1154T>C (p.Phe385Ser)

Gene: DDX41 (DEAD-box helicase 41; minus strand). Cytogenetic location: 5q35.3.
Variant type: single nucleotide variant.
Coding change: c.1154T>C on transcript NM_016222.4 (MANE Select); coding-DNA position 1154, T replaced by C.
Protein change: p.Phe385Ser; replaces phenylalanine 385 with serine.
Molecular consequence: missense variant.
Genome position (GRCh38, 1-based): chr5:177,513,429, A>G on the plus strand (T>C on the coding strand, the complement: DDX41 is on the minus strand). VCF-style: chr5-177513429-A-G. GRCh37 (hg19) VCF-style: chr5-176940430-A-G.
Other names: c.776T>C, p.Phe259Ser (NM_001321732.2, NM_001321830.2); short protein forms F259S, F385S.
Identifiers: ClinVar variation 3839037 (VCV003839037.1).

ClinVar aggregate classification (germline): Uncertain significance (1 of 4 stars; one submission).

Conditions:
Inborn genetic diseases. Identifiers: MedGen C0950123, MeSH D030342.

gnomAD v4.1: 1 of 1,614,010 alleles (0.000062%); highest among the groups gnomAD compares: Non-Finnish European, 0.000085%; no homozygotes.

Submission:

Ambry Genetics
Classification: Uncertain significance for Inborn genetic diseases. Last evaluated: 2025-02-12. Review status: criteria provided, single submitter. Criteria: Ambry Variant Classification Scheme 2023. Collection method: clinical testing. Allele origin: germline.
Comment: The p.F385S variant (also known as c.1154T>C), located in coding exon 11 of the DDX41 gene, results from a T to C substitution at nucleotide position 1154. The phenylalanine at codon 385 is replaced by serine, an amino acid with highly dissimilar properties. This amino acid position is conserved. In addition, this alteration is predicted to be deleterious by in silico analysis. Based on the available evidence, the clinical significance of this variant remains unclear.